The following is an entry in ClinVar:

NM_001048174.2(MUTYH):c.1109_1165delinsA (p.Leu370fs)

Gene: MUTYH (mutY DNA glycosylase; minus strand). Cytogenetic location: 1p34.1.
Variant type: Indel.
Coding change: c.1109_1165delinsA on transcript NM_001048174.2 (MANE Select); coding-DNA positions 1109 to 1165, the reference bases replaced by A.
Protein change: p.Leu370fs; shifts the reading frame from leucine 370.
Molecular consequence: frameshift variant. On other transcripts: non-coding transcript variant (7).
Genome position (GRCh38, 1-based): chr1:45,331,494-45,331,550, 57 bases replaced. GRCh37 (hg19): chr1:45,797,166-45,797,222.
Other names: c.1109_1165delinsA, p.Leu370fs (NM_001048171.2, NM_001048173.2, NM_001293195.2 and 6 more transcripts); c.1112_1168delinsA, p.Leu371fs (NM_001048172.2, NM_001407071.1, NM_001407078.1 and 1 more transcripts); c.1193_1249delinsA, p.Leu398fs (NM_001128425.2); c.1154_1210delinsA, p.Leu385fs (NM_001293190.2); c.1142_1198delinsA, p.Leu381fs (NM_001293191.2, NM_001407069.1, NM_001407077.1); c.833_889delinsA, p.Leu278fs (NM_001293192.2, NM_001293196.2, NM_001407091.1); c.764_820delinsA, p.Leu255fs (NM_001350650.2, NM_001350651.2, NM_001407082.1); c.1025_1081delinsA, p.Leu342fs (NM_001407075.1); and 5 more; short protein forms L255fs, L278fs, L342fs, L356fs, L357fs, L370fs, L371fs, L377fs.
Identifiers: ClinVar variation 3904732 (VCV003904732.1).

ClinVar aggregate classification (germline): Likely pathogenic (1 of 4 stars; one submission).

Conditions:
Familial adenomatous polyposis 2. Also called: FAP type 2; MUTYH-related attenuated familial adenomatous polyposis; MUTYH-associated polyposis; COLORECTAL ADENOMATOUS POLYPOSIS, AUTOSOMAL RECESSIVE; ADENOMAS, MULTIPLE COLORECTAL, AUTOSOMAL RECESSIVE; MUTYH Polyposis. Identifiers: Orphanet 220460, Orphanet 247798, MedGen C3272841, MONDO:0012041, OMIM 608456.

Submission:

Myriad Genetics, Inc.
Classification: Likely pathogenic for Familial adenomatous polyposis 2. Last evaluated: 2025-02-26. Review status: criteria provided, single submitter. Criteria: Myriad Autosomal Dominant, Autosomal Recessive and X-Linked Classification Criteria (2023). Collection method: clinical testing. Allele origin: unknown.
Comment: This variant is considered likely pathogenic. This variant creates a frameshift predicted to result in premature protein truncation.